The following is an entry in ClinVar:

NM_033026.6(PCLO):c.6610G>A (p.Asp2204Asn)

Gene: PCLO (piccolo presynaptic cytomatrix protein; minus strand). Cytogenetic location: 7q21.11.
Variant type: single nucleotide variant.
Coding change: c.6610G>A on transcript NM_033026.6 (MANE Select); coding-DNA position 6610, G replaced by A.
Protein change: p.Asp2204Asn; replaces aspartic acid 2204 with asparagine.
Molecular consequence: missense variant.
Genome position (GRCh38, 1-based): chr7:82,954,343, C>T on the plus strand (G>A on the coding strand, the complement: PCLO is on the minus strand). VCF-style: chr7-82954343-C-T. GRCh37 (hg19) VCF-style: chr7-82583659-C-T.
Other names: c.6610G>A, p.Asp2204Asn (NM_014510.3); c.6610G>A (NM_033026.5); short protein forms D2204N.
Identifiers: ClinVar variation 1973685 (VCV001973685.6), dbSNP rs1795450496, ClinGen allele CA367918881.
Genomic context (GRCh38, chr7:82,954,343, plus strand): 5'-CAGAATCTTCAAATTTAGTTATCATGTCCACTGGCTCTGTATAAACTGTGGTTATGCTAT[C>T]CAGGGTAGTAATGGGTGAAGAGCTATCTGTGGTACAGACCGAAGAAACAGATGATGTGAG-3'
Protein context (NP_149015.2, residues 2194-2214): TDSSSPITTL[Asp2204Asn]SITTVYTEPV

ClinVar aggregate classification (germline): Uncertain significance. Review status: criteria provided, multiple submitters, no conflicts (2 of 4 stars). 2 submissions from 2 submitters: Uncertain significance (2). Last evaluated 2025-01-07.

Conditions:
Inborn genetic diseases. Identifiers: MedGen C0950123, MeSH D030342.

Allele frequency attached by ClinVar (database versions not stated): gnomAD exomes below 0.00001; gnomAD 0.00001.
gnomAD v4.1: 5 of 1,613,592 alleles (0.00031%); highest among the groups gnomAD compares: African/African-American, 0.0013%; no homozygotes.

Submissions (2):

Ambry Genetics
Classification: Uncertain significance for Inborn genetic diseases. Last evaluated: 2025-01-07. Review status: criteria provided, single submitter. Criteria: Ambry Variant Classification Scheme 2023. Collection method: clinical testing. Allele origin: germline.

Labcorp Genetics (formerly Invitae), Labcorp
Classification: Uncertain significance. Last evaluated: 2022-06-24. Review status: criteria provided, single submitter. Criteria: Invitae Variant Classification Sherloc (09022015). Collection method: clinical testing. Allele origin: germline.
Comment: This sequence change replaces aspartic acid, which is acidic and polar, with asparagine, which is neutral and polar, at codon 2204 of the PCLO protein (p.Asp2204Asn). This variant is not present in population databases (gnomAD no frequency). In summary, the available evidence is currently insufficient to determine the role of this variant in disease. Therefore, it has been classified as a Variant of Uncertain Significance. Algorithms developed to predict the effect of missense changes on protein structure and function are either unavailable or do not agree on the potential impact of this missense change (SIFT: "Tolerated"; PolyPhen-2: "Not Available"; Align-GVGD: "Class C0"). This variant has not been reported in the literature in individuals affected with PCLO-related conditions.